The following is an entry in ClinVar:

NM_014915.3(ANKRD26):c.3352G>A (p.Glu1118Lys)

Gene: ANKRD26 (ankyrin repeat domain 26; minus strand). Cytogenetic location: 10p12.1.
Variant type: single nucleotide variant.
Coding change: c.3352G>A on transcript NM_014915.3 (MANE Select); coding-DNA position 3352, G replaced by A.
Protein change: p.Glu1118Lys; replaces glutamic acid 1118 with lysine.
Molecular consequence: missense variant.
Genome position (GRCh38, 1-based): chr10:27,035,098, C>T on the plus strand (G>A on the coding strand, the complement: ANKRD26 is on the minus strand). VCF-style: chr10-27035098-C-T. GRCh37 (hg19) VCF-style: chr10-27324027-C-T.
Other names: c.3349G>A, p.Glu1117Lys (NM_001256053.2); short protein forms E1117K, E1118K.
Identifiers: ClinVar variation 4826433 (VCV004826433.1).

ClinVar aggregate classification (germline): Uncertain significance (1 of 4 stars; one submission).

Conditions:
Inborn genetic diseases. Identifiers: MedGen C0950123, MeSH D030342.

gnomAD v4.1: 1 of 1,612,624 alleles (0.000062%); highest among the groups gnomAD compares: Non-Finnish European, 0.000085%; no homozygotes.

Submission:

Ambry Genetics
Classification: Uncertain significance for Inborn genetic diseases. Last evaluated: 2026-03-12. Review status: criteria provided, single submitter. Criteria: Ambry Variant Classification Scheme 2023. Collection method: clinical testing. Allele origin: germline.
Comment: The p.E1118K variant (also known as c.3352G>A), located in coding exon 24 of the ANKRD26 gene, results from a G to A substitution at nucleotide position 3352. The glutamic acid at codon 1118 is replaced by lysine, an amino acid with similar properties. This amino acid position is conserved. In addition, this alteration is predicted to be tolerated by in silico analysis. Based on the available evidence, the clinical significance of this variant remains unclear.